The following is an entry in ClinVar:

ClinVar aggregate classification (germline): Uncertain significance. Review status: criteria provided, multiple submitters, no conflicts (2 of 4 stars). 2 submissions from 2 submitters: Uncertain significance (2). Last evaluated 2026-01-27.

Conditions:
Long QT syndrome (LQTS). Identifiers: MedGen C0023976, MeSH D008133, MONDO:0002442. Disease mechanism: loss of function. Inheritance: Various modes of inheritance.
Cardiovascular phenotype. Identifiers: MedGen CN230736.

Allele frequency attached by ClinVar (database versions not stated): gnomAD exomes 0.00001; ExAC 0.00002; TOPMed 0.00002.
gnomAD v4.1: 13 of 1,600,818 alleles (0.00081%); highest among the groups gnomAD compares: Admixed American, 0.0034%; no homozygotes.

Submissions (2):

Labcorp Genetics (formerly Invitae), Labcorp
Classification: Uncertain significance for Long QT syndrome. Last evaluated: 2026-01-27. Review status: criteria provided, single submitter. Criteria: Invitae Variant Classification Sherloc (09022015). Collection method: clinical testing. Allele origin: germline.
Comment: This sequence change replaces isoleucine, which is neutral and non-polar, with threonine, which is neutral and polar, at codon 2071 of the CACNA1C protein (p.Ile2071Thr). This variant is present in population databases (rs756403683, gnomAD 0.001%). This variant has not been reported in the literature in individuals affected with CACNA1C-related conditions. ClinVar contains an entry for this variant (Variation ID: 1360529). Invitae Evidence Modeling of protein sequence and biophysical properties (such as structural, functional, and spatial information, amino acid conservation, physicochemical variation, residue mobility, and thermodynamic stability) indicates that this missense variant is not expected to disrupt CACNA1C protein function with a negative predictive value of 95%. In summary, the available evidence is currently insufficient to determine the role of this variant in disease. Therefore, it has been classified as a Variant of Uncertain Significance.

Ambry Genetics
Classification: Uncertain significance for Cardiovascular phenotype. Last evaluated: 2024-04-08. Review status: criteria provided, single submitter. Criteria: Ambry Variant Classification Scheme 2023. Collection method: clinical testing. Allele origin: germline.
Comment: The p.I2071T variant (also known as c.6212T>C), located in coding exon 47 of the CACNA1C gene, results from a T to C substitution at nucleotide position 6212. The isoleucine at codon 2071 is replaced by threonine, an amino acid with similar properties. This amino acid position is well conserved in available vertebrate species. In addition, the in silico prediction for this alteration is inconclusive. Based on the available evidence, the clinical significance of this variant remains unclear.

NM_000719.7(CACNA1C):c.6212T>C (p.Ile2071Thr)

Genes: CACNA1C (calcium voltage-gated channel subunit alpha1 C; plus strand), CACNA1C-AS1 (CACNA1C antisense RNA 1; minus strand). Cytogenetic location: 12p13.33.
Variant type: single nucleotide variant.
Coding change: c.6212T>C on transcript NM_000719.7 (MANE Select); coding-DNA position 6212, T replaced by C.
Protein change: p.Ile2071Thr; replaces isoleucine 2071 with threonine.
Molecular consequence: missense variant.
Genome position (GRCh38, 1-based): chr12:2,690,994, T>C. VCF-style: chr12-2690994-T-C. GRCh37 (hg19) VCF-style: chr12-2800160-T-C.
Other names: c.6356T>C, p.Ile2119Thr (NM_001129827.2); c.6335T>C, p.Ile2112Thr (NM_001129829.2); c.6317T>C, p.Ile2106Thr (NM_001129830.3, NM_001167624.3); c.6296T>C, p.Ile2099Thr (NM_001129831.2); c.6272T>C, p.Ile2091Thr (NM_001129832.2); c.6269T>C, p.Ile2090Thr (NM_001129833.2, NM_001129834.2, NM_001129835.2); c.6263T>C, p.Ile2088Thr (NM_001129836.2); c.6236T>C, p.Ile2079Thr (NM_001129837.2, NM_001129838.2); and 7 more; short protein forms I2077T, I2090T, I2088T, I2112T, I2068T, I2071T, I2091T, I2099T.
Identifiers: ClinVar variation 1360529 (VCV001360529.7), dbSNP rs756403683, ClinGen allele CA6390102.